The following is an entry in ClinVar:

ClinVar aggregate classification (germline): Uncertain significance. Review status: criteria provided, multiple submitters, no conflicts (2 of 4 stars). 2 submissions from 2 submitters: Uncertain significance (2). Last evaluated 2025-01-15.

Allele frequency attached by ClinVar (database versions not stated): 1000 Genomes Project 30x 0.00016; TOPMed 0.00016; gnomAD 0.00020; ESP Exome Variant Server 0.00022; ExAC 0.00023.
gnomAD v4.1: 688 of 1,550,664 alleles (0.044%); highest among the groups gnomAD compares: Non-Finnish European, 0.055%; no homozygotes.

Submissions (2):

Ambry Genetics
Classification: Uncertain significance. Last evaluated: 2025-01-15. Review status: criteria provided, single submitter. Criteria: Ambry Variant Classification Scheme 2023. Collection method: clinical testing. Allele origin: germline.

GeneDx
Classification: Uncertain significance. Last evaluated: 2024-12-06. Review status: criteria provided, single submitter. Criteria: GeneDx Variant Classification Process June 2021. Collection method: clinical testing. Allele origin: germline. Affected: yes.
Comment: In silico analysis supports that this missense variant has a deleterious effect on protein structure/function; Has not been previously published as pathogenic or benign to our knowledge

NM_001367479.1(DNAH14):c.3647G>T (p.Arg1216Ile)

Gene: DNAH14 (dynein axonemal heavy chain 14; plus strand). Cytogenetic location: 1q42.12.
Variant type: single nucleotide variant.
Coding change: c.3647G>T on transcript NM_001367479.1 (MANE Select); coding-DNA position 3647, G replaced by T.
Protein change: p.Arg1216Ile; replaces arginine 1216 with isoleucine.
Molecular consequence: missense variant.
Genome position (GRCh38, 1-based): chr1:225,097,191, G>T. VCF-style: chr1-225097191-G-T. GRCh37 (hg19) VCF-style: chr1-225284893-G-T.
Other names: NM_001373.1:c.3647G>T; short protein forms R1216I.
Identifiers: ClinVar variation 2346270 (VCV002346270.4), dbSNP rs371522012, ClinGen allele CA1415903.
Genomic context (GRCh38, chr1:225,097,191, plus strand): 5'-AATGGGATCAAAACTTGACTCTCTTCTCTTACACCCTTGAGGAATGGATGAATTGTCAAA[G>T]AAATTGGCTTTATCTTGAACCAGTCTTTCATTCTTCAGAAATACGAAGGTAAAATACCTA-3'
Protein context (NP_001354408.1, residues 1206-1226): YTLEEWMNCQ[Arg1216Ile]NWLYLEPVFH